The following is an entry in ClinVar:

NM_002547.3(OPHN1):c.312+1del

Gene: OPHN1 (oligophrenin 1; minus strand). Cytogenetic location: Xq12.
Variant type: Deletion.
Coding change: c.312+1del on transcript NM_002547.3 (MANE Select); the canonical splice donor site of the intron after coding-DNA position 312, one base deleted (G; older notation c.312+1delG).
Molecular consequence: splice donor variant.
Genome position (GRCh38, 1-based): chrX:68,283,055, C deleted on the plus strand (G on the coding strand, the reverse complement: OPHN1 is on the minus strand); the first of 2 consecutive C bases (chrX:68,283,055-68,283,056); deleting either gives the same sequence. VCF-style (leftmost placement, unchanged base first): chrX-68283054-AC-A. GRCh37 (hg19) VCF-style: chrX-67502896-AC-A.
Identifiers: ClinVar variation 2006098 (VCV002006098.5), dbSNP rs2519907547, ClinGen allele CA2580101288.

ClinVar aggregate classification (germline): Pathogenic (1 of 4 stars; one submission).

Conditions:
Intellectual developmental disorder, X-linked, syndromic, Billuart type. Also called: MENTAL RETARDATION, X-LINKED 60; X-linked intellectual disability-cerebellar hypoplasia syndrome. Identifiers: Orphanet 137831, MedGen C1845366, MONDO:0010337, OMIM 300486.

Submission:

Labcorp Genetics (formerly Invitae), Labcorp
Classification: Pathogenic. Last evaluated: 2023-10-03. Review status: criteria provided, single submitter. Criteria: Invitae Variant Classification Sherloc (09022015). Collection method: clinical testing. Allele origin: germline.
Comment: This sequence change affects a splice site in intron 4 of the OPHN1 gene. It is expected to disrupt RNA splicing. Variants that disrupt the donor or acceptor splice site typically lead to a loss of protein function (PMID: 16199547), and loss-of-function variants in OPHN1 are known to be pathogenic (PMID: 12807966). This variant is not present in population databases (gnomAD no frequency). Disruption of this splice site has been observed in individual(s) with clinical features of OPHN1-related conditions (Invitae). In at least one individual the variant was observed to be de novo. ClinVar contains an entry for this variant (Variation ID: 2006098). Algorithms developed to predict the effect of sequence changes on RNA splicing suggest that this variant may disrupt the consensus splice site. For these reasons, this variant has been classified as Pathogenic.

Literature cited by the submitters: PubMed 16199547 (cited by Labcorp Genetics (formerly Invitae), Labcorp); PubMed 12807966 (cited by Labcorp Genetics (formerly Invitae), Labcorp).